The following is an entry in ClinVar:

NM_004320.6(ATP2A1):c.2750C>G (p.Ser917Cys)

Gene: ATP2A1 (ATPase sarcoplasmic/endoplasmic reticulum Ca2+ transporting 1; plus strand). Cytogenetic location: 16p11.2.
Variant type: single nucleotide variant.
Coding change: c.2750C>G on transcript NM_004320.6 (MANE Select); coding-DNA position 2750, C replaced by G.
Protein change: p.Ser917Cys; replaces serine 917 with cysteine.
Molecular consequence: missense variant.
Genome position (GRCh38, 1-based): chr16:28,903,035, C>G. VCF-style: chr16-28903035-C-G. GRCh37 (hg19) VCF-style: chr16-28914356-C-G.
Other names: c.2375C>G, p.Ser792Cys (NM_001286075.2); c.2750C>G, p.Ser917Cys (NM_173201.5); short protein forms S917C, S792C.
Identifiers: ClinVar variation 464086 (VCV000464086.10), dbSNP rs1555517373, ClinGen allele CA395415412.

ClinVar aggregate classification (germline): Uncertain significance. Review status: criteria provided, multiple submitters, no conflicts (2 of 4 stars). 2 submissions from 2 submitters: Uncertain significance (2). Last evaluated 2023-02-24.

Conditions:
Brody myopathy. Also called: BRODY DISEASE. Identifiers: Orphanet 53347, MedGen C1832918, MONDO:0010977, OMIM 601003.

Submissions (2):

Blueprint Genetics
Classification: Uncertain significance. Last evaluated: 2023-02-24. Review status: criteria provided, single submitter. Criteria: ACMG Guidelines, 2015. Collection method: clinical testing. Allele origin: germline.

Labcorp Genetics (formerly Invitae), Labcorp
Classification: Uncertain significance for Brody myopathy. Last evaluated: 2020-02-06. Review status: criteria provided, single submitter. Criteria: Invitae Variant Classification Sherloc (09022015). Collection method: clinical testing. Allele origin: germline.
Comment: This sequence change replaces serine with cysteine at codon 917 of the ATP2A1 protein (p.Ser917Cys). The serine residue is highly conserved and there is a moderate physicochemical difference between serine and cysteine. This variant is not present in population databases (ExAC no frequency). This variant has not been reported in the literature in individuals with an ATP2A1-related disease. Algorithms developed to predict the effect of missense changes on protein structure and function do not agree on the potential impact of this missense change (SIFT: "Deleterious"; PolyPhen-2: "Probably Damaging"; Align-GVGD: "Class C0"). In summary, this variant has uncertain impact on ATP2A1 function. The available evidence is currently insufficient to determine its role in disease. Therefore, it has been classified as a Variant of Uncertain Significance.